The following is an entry in ClinVar:

NM_032634.4(PIGO):c.646T>C (p.Tyr216His)

Gene: PIGO (phosphatidylinositol glycan anchor biosynthesis class O; minus strand). Cytogenetic location: 9p13.3.
Variant type: single nucleotide variant.
Coding change: c.646T>C on transcript NM_032634.4 (MANE Select); coding-DNA position 646, T replaced by C.
Protein change: p.Tyr216His; replaces tyrosine 216 with histidine.
Molecular consequence: missense variant.
Genome position (GRCh38, 1-based): chr9:35,094,225, A>G on the plus strand (T>C on the coding strand, the complement: PIGO is on the minus strand). VCF-style: chr9-35094225-A-G. GRCh37 (hg19) VCF-style: chr9-35094222-A-G.
Other names: c.646T>C, p.Tyr216His (NM_001201484.2, NM_152850.4); short protein forms Y216H.
Identifiers: ClinVar variation 963675 (VCV000963675.7), dbSNP rs372754217, ClinGen allele CA5040884.

ClinVar aggregate classification (germline): Uncertain significance (1 of 4 stars; one submission).

Conditions:
Hyperphosphatasia with impaired intellectual development syndrome 2. Also called: Hyperphosphatasia with intellectual disability syndrome 2; GLYCOSYLPHOSPHATIDYLINOSITOL BIOSYNTHESIS DEFECT 6. Identifiers: Orphanet 247262, MedGen C3553637, MONDO:0013882, OMIM 614749.

Allele frequency attached by ClinVar (database versions not stated): gnomAD exomes below 0.00001; ExAC 0.00001; gnomAD 0.00002; TOPMed 0.00002; ESP Exome Variant Server 0.00008.
gnomAD v4.1: 7 of 1,597,792 alleles (0.00044%); highest among the groups gnomAD compares: Non-Finnish European, 0.0006%; no homozygotes.

Submission:

Labcorp Genetics (formerly Invitae), Labcorp
Classification: Uncertain significance for Hyperphosphatasia with impaired intellectual development syndrome 2. Last evaluated: 2021-09-01. Review status: criteria provided, single submitter. Criteria: Invitae Variant Classification Sherloc (09022015). Collection method: clinical testing. Allele origin: germline.
Comment: This sequence change replaces tyrosine with histidine at codon 216 of the PIGO protein (p.Tyr216His). The tyrosine residue is moderately conserved and there is a moderate physicochemical difference between tyrosine and histidine. This variant is present in population databases (rs372754217, ExAC 0.002%). This variant has not been reported in the literature in individuals affected with PIGO-related conditions. Algorithms developed to predict the effect of missense changes on protein structure and function are either unavailable or do not agree on the potential impact of this missense change (SIFT: "Tolerated"; PolyPhen-2: "Possibly Damaging"; Align-GVGD: "Class C0"). In summary, the available evidence is currently insufficient to determine the role of this variant in disease. Therefore, it has been classified as a Variant of Uncertain Significance.